The following is an entry in ClinVar:

NM_005802.5(TOPORS):c.1516T>C (p.Ser506Pro)

Gene: TOPORS (TOP1 binding arginine/serine rich protein, E3 ubiquitin ligase; minus strand). Cytogenetic location: 9p21.1.
Variant type: single nucleotide variant.
Coding change: c.1516T>C on transcript NM_005802.5 (MANE Select); coding-DNA position 1516, T replaced by C.
Protein change: p.Ser506Pro; replaces serine 506 with proline.
Molecular consequence: missense variant.
Genome position (GRCh38, 1-based): chr9:32,543,009, A>G on the plus strand (T>C on the coding strand, the complement: TOPORS is on the minus strand). VCF-style: chr9-32543009-A-G. GRCh37 (hg19) VCF-style: chr9-32543007-A-G.
Other names: c.1321T>C, p.Ser441Pro (NM_001195622.2); short protein forms S441P, S506P.
Identifiers: ClinVar variation 1362555 (VCV001362555.8), dbSNP rs2118967745, ClinGen allele CA373169648.

ClinVar aggregate classification (germline): Uncertain significance (1 of 4 stars; one submission).

Submission:

Labcorp Genetics (formerly Invitae), Labcorp
Classification: Uncertain significance. Last evaluated: 2021-04-23. Review status: criteria provided, single submitter. Criteria: Invitae Variant Classification Sherloc (09022015). Collection method: clinical testing. Allele origin: germline.
Comment: In summary, the available evidence is currently insufficient to determine the role of this variant in disease. Therefore, it has been classified as a Variant of Uncertain Significance. Algorithms developed to predict the effect of missense changes on protein structure and function output the following: SIFT: "Tolerated"; PolyPhen-2: "Benign"; Align-GVGD: "Class C0". The proline amino acid residue is found in multiple mammalian species, suggesting that this missense change does not adversely affect protein function. These predictions have not been confirmed by published functional studies and their clinical significance is uncertain. This variant has not been reported in the literature in individuals with TOPORS-related conditions. This variant is not present in population databases (ExAC no frequency). This sequence change replaces serine with proline at codon 506 of the TOPORS protein (p.Ser506Pro). The serine residue is moderately conserved and there is a moderate physicochemical difference between serine and proline.